The following is an entry in ClinVar:

NM_007186.6(CEP250):c.1174C>T (p.Arg392Cys)

Genes: CEP250-AS1 (CEP250 antisense RNA 1; minus strand), CEP250 (centrosomal protein 250; plus strand). Cytogenetic location: 20q11.22.
Variant type: single nucleotide variant.
Coding change: c.1174C>T on transcript NM_007186.6 (MANE Select); coding-DNA position 1174, C replaced by T.
Protein change: p.Arg392Cys; replaces arginine 392 with cysteine.
Molecular consequence: missense variant. On other transcripts: 5 prime UTR variant (1).
Genome position (GRCh38, 1-based): chr20:35,472,796, C>T. VCF-style: chr20-35472796-C-T. GRCh37 (hg19) VCF-style: chr20-34060621-C-T.
Other names: p.Arg392Cys; c.-726C>T (NM_001318219.1); c.1174C>T (NM_007186.3); short protein forms R392C.
Identifiers: ClinVar variation 946141 (VCV000946141.12), dbSNP rs370543710, ClinGen allele CA9832830.
Genomic context (GRCh38, chr20:35,472,796, plus strand): 5'-GACTCTAGTATCTTCTCCCAGTTTGATTACCAGGATGCAGACAAGGCTCTTACTCTGGTG[C>T]GTTCAGTGCTGACTCGGAGACGCCAGGCTGTGCAGGTAGGAACCCTCAGCATTCCACCTC-3'
Protein context (NP_009117.2, residues 382-402): QDADKALTLV[Arg392Cys]SVLTRRRQAV

ClinVar aggregate classification (germline): Uncertain significance. Review status: criteria provided, multiple submitters, no conflicts (2 of 4 stars). 4 submissions from 4 submitters: Uncertain significance (4). Last evaluated 2025-08-14.

Allele frequency attached by ClinVar (database versions not stated): ExAC 0.00008; TOPMed 0.00012; gnomAD exomes 0.00007 and 0.00014; gnomAD 0.00012 and 0.00014; ESP Exome Variant Server 0.00023.

Submissions (4):

Mayo Clinic Laboratories, Mayo Clinic
Classification: Uncertain significance. Last evaluated: 2025-08-14. Review status: criteria provided, single submitter. Criteria: ACMG Guidelines, 2015. Collection method: clinical testing. Allele origin: germline. Observed: 1 variant allele.
Comment: BP4, PM2_moderate

Ambry Genetics
Classification: Uncertain significance. Last evaluated: 2025-06-10. Review status: criteria provided, single submitter. Criteria: Ambry Variant Classification Scheme 2023. Collection method: clinical testing. Allele origin: germline.

Labcorp Genetics (formerly Invitae), Labcorp
Classification: Uncertain significance. Last evaluated: 2025-01-13. Review status: criteria provided, single submitter. Criteria: Invitae Variant Classification Sherloc (09022015). Collection method: clinical testing. Allele origin: germline.
Comment: This sequence change replaces arginine, which is basic and polar, with cysteine, which is neutral and slightly polar, at codon 392 of the CEP250 protein (p.Arg392Cys). This variant is present in population databases (rs370543710, gnomAD 0.01%). This variant has not been reported in the literature in individuals affected with CEP250-related conditions. ClinVar contains an entry for this variant (Variation ID: 946141). An algorithm developed to predict the effect of missense changes on protein structure and function outputs the following: PolyPhen-2: "Benign". The cysteine amino acid residue is found in multiple mammalian species, which suggests that this missense change does not adversely affect protein function. In summary, the available evidence is currently insufficient to determine the role of this variant in disease. Therefore, it has been classified as a Variant of Uncertain Significance.

Blueprint Genetics
Classification: Uncertain significance. Last evaluated: 2024-08-15. Review status: criteria provided, single submitter. Criteria: ACMG Guidelines, 2015. Collection method: clinical testing. Allele origin: germline.